The following is an entry in ClinVar:

NM_000135.4(FANCA):c.2152-6_2152-5del

Gene: FANCA (FA complementation group A; minus strand). Cytogenetic location: 16q24.3.
Variant type: Microsatellite.
Coding change: c.2152-6_2152-5del on transcript NM_000135.4 (MANE Select); 6 bases into the intron before coding-DNA position 2152 through 5 bases into the intron before coding-DNA position 2152, 2 bases deleted (CT; older notation c.2152-6_2152-5delCT).
Molecular consequence: intron variant.
Genome position (GRCh38, 1-based): chr16:89,770,639-89,770,640, AG deleted on the plus strand (CT on the coding strand, the reverse complement: FANCA is on the minus strand); deleting any 2 consecutive bases within chr16:89,770,639-89,770,643 gives the same sequence; the c. name uses the placement nearest the transcript's 3' end. VCF-style (leftmost placement, unchanged base first): chr16-89770638-CAG-C. GRCh37 (hg19) VCF-style: chr16-89837046-CAG-C.
Other names: c.2152-6_2152-5del (NM_001286167.3).
Identifiers: ClinVar variation 2060965 (VCV002060965.3), dbSNP rs1312765663, ClinGen allele CA624249363.

ClinVar aggregate classification (germline): Uncertain significance (1 of 4 stars; one submission).

Conditions:
Fanconi anemia (FA). Also called: Fanconi's anemia. Identifiers: Orphanet 84, MedGen C0015625, MeSH D005199, MONDO:0019391.

Submission:

Labcorp Genetics (formerly Invitae), Labcorp
Classification: Uncertain significance for Fanconi anemia. Last evaluated: 2024-02-19. Review status: criteria provided, single submitter. Criteria: Invitae Variant Classification Sherloc (09022015). Collection method: clinical testing. Allele origin: germline.
Comment: This sequence change falls in intron 23 of the FANCA gene. It does not directly change the encoded amino acid sequence of the FANCA protein. This variant is present in population databases (no rsID available, gnomAD 0.001%). This variant has not been reported in the literature in individuals affected with FANCA-related conditions. Algorithms developed to predict the effect of sequence changes on RNA splicing suggest that this variant may disrupt the consensus splice site. In summary, the available evidence is currently insufficient to determine the role of this variant in disease. Therefore, it has been classified as a Variant of Uncertain Significance.